The following is an entry in ClinVar:

NM_001136018.4(EPHX1):c.741C>T (p.His247=)

Gene: EPHX1 (epoxide hydrolase 1; plus strand). Cytogenetic location: 1q42.12.
Variant type: single nucleotide variant.
Coding change: c.741C>T on transcript NM_001136018.4 (MANE Select); coding-DNA position 741, C replaced by T.
Protein change: p.His247=; no amino-acid change (histidine 247 retained).
Molecular consequence: synonymous variant. On other transcripts: non-coding transcript variant (1), intron variant (1).
Genome position (GRCh38, 1-based): chr1:225,839,847, C>T. VCF-style: chr1-225839847-C-T. GRCh37 (hg19) VCF-style: chr1-226027548-C-T.
Other names: c.741C>T, p.His247= (NM_000120.4, NM_001291163.2, NM_001378426.1 and 3 more transcripts); c.714C>T, p.His238= (NM_001378428.1); c.513C>T, p.His171= (NM_001378431.1); c.365-2519C>T (NM_001378432.1).
Identifiers: ClinVar variation 1251795 (VCV001251795.5), dbSNP rs34143170, ClinGen allele CA1418510.
Genomic context (GRCh38, chr1:225,839,847, plus strand): 5'-ACACCAGCCCAGCCTCACCCCGGCCCCTCTCTCTGCCTTCAGCCACGTGAAAGGCCTGCA[C>T]TTGAACATGGCTTTGGTTTTAAGCAACTTCTCTACCCTGACCCTCCTCCTGGGACAGCGT-3'
Protein context (NP_001129490.1, residues 237-257): QLVPSHVKGL[His247=]LNMALVLSNF

ClinVar aggregate classification (germline): Benign. Review status: criteria provided, multiple submitters, no conflicts (2 of 4 stars). 3 submissions from 3 submitters: Benign (2). 1 of the submissions does not count toward it. Last evaluated 2021-06-09.

Conditions:
EPHX1-related disorder. Also called: EPHX1-related condition.

Allele frequency attached by ClinVar (database versions not stated): 1000 Genomes Project 0.03215; 1000 Genomes Project 30x 0.03623; TOPMed 0.05037; ExAC 0.05131; gnomAD exomes 0.05240 and 0.06097; gnomAD 0.05330 and 0.05433; ESP Exome Variant Server 0.05620.
gnomAD v4.1: 96,922 of 1,613,916 alleles (6%); highest among the groups gnomAD compares: Non-Finnish European, 6.6%; 3,184 homozygotes.

Submissions (3):

GeneDx
Classification: Benign. Last evaluated: 2021-06-09. Review status: criteria provided, single submitter. Criteria: GeneDx Variant Classification Process June 2021. Collection method: clinical testing. Allele origin: germline. Affected: yes.

Breakthrough Genomics
Classification: Benign. Review status: criteria provided, single submitter. Criteria: ACMG Guidelines, 2015. Collection method: not provided. Allele origin: germline. Inheritance: Unknown mechanism. Affected: yes.

PreventionGenetics, part of Exact Sciences
Classification: Benign for EPHX1-related condition. Last evaluated: 2019-10-21. Review status: no assertion criteria provided. Collection method: clinical testing. Allele origin: germline. Not counted in ClinVar's aggregate classification.
Comment: This variant is classified as benign based on ACMG/AMP sequence variant interpretation guidelines (Richards et al. 2015 PMID: 25741868, with internal and published modifications).